The following is an entry in ClinVar:

ClinVar aggregate classification (germline): Uncertain significance. Review status: criteria provided, multiple submitters, no conflicts (2 of 4 stars). 3 submissions from 3 submitters: Uncertain significance (3). Last evaluated 2024-07-27.

Conditions:
Cardiovascular phenotype. Identifiers: MedGen CN230736.

Allele frequency attached by ClinVar (database versions not stated): TOPMed 0.00001; gnomAD exomes 0.00002; gnomAD 0.00003.

Submissions (3):

Labcorp Genetics (formerly Invitae), Labcorp
Classification: Uncertain significance. Last evaluated: 2024-07-27. Review status: criteria provided, single submitter. Criteria: Invitae Variant Classification Sherloc (09022015). Collection method: clinical testing. Allele origin: germline.
Comment: This sequence change replaces threonine, which is neutral and polar, with methionine, which is neutral and non-polar, at codon 105 of the ALPK3 protein (p.Thr105Met). This variant is present in population databases (no rsID available, gnomAD 0.007%). This variant has not been reported in the literature in individuals affected with ALPK3-related conditions. ClinVar contains an entry for this variant (Variation ID: 1467368). An algorithm developed to predict the effect of missense changes on protein structure and function (PolyPhen-2) suggests that this variant is likely to be tolerated. In summary, the available evidence is currently insufficient to determine the role of this variant in disease. Therefore, it has been classified as a Variant of Uncertain Significance.

Ambry Genetics
Classification: Uncertain significance for Cardiovascular phenotype. Last evaluated: 2024-03-30. Review status: criteria provided, single submitter. Criteria: Ambry Variant Classification Scheme 2023. Collection method: clinical testing. Allele origin: germline.
Comment: The p.T105M variant (also known as c.314C>T), located in coding exon 1 of the ALPK3 gene, results from a C to T substitution at nucleotide position 314. The threonine at codon 105 is replaced by methionine, an amino acid with similar properties. This amino acid position is conserved. In addition, this alteration is predicted to be tolerated by in silico analysis. Since supporting evidence is limited at this time, the clinical significance of this alteration remains unclear.

GeneDx
Classification: Uncertain significance. Last evaluated: 2023-12-14. Review status: criteria provided, single submitter. Criteria: GeneDx Variant Classification Process June 2021. Collection method: clinical testing. Allele origin: germline. Affected: yes.
Comment: Has not been previously published as pathogenic or benign to our knowledge; Nucleotide is not conserved across species and the substitution has no predicted effect on splicing; Not observed at significant frequency in large population cohorts (gnomAD)

NC_000015.10:g.84817160C>T

Gene: ALPK3 (alpha kinase 3; plus strand). Cytogenetic location: 15q25.3.
Variant type: single nucleotide variant.
Genome position: GRCh38 VCF-style: chr15-84817160-C-T. GRCh37 (hg19) VCF-style: chr15-85360391-C-T.
Other names: short protein forms T105M.
Identifiers: ClinVar variation 1467368 (VCV001467368.11), dbSNP rs1280728775, ClinGen allele CA393368656.